The following is an entry in ClinVar:

NM_020987.5(ANK3):c.12569A>G (p.Asn4190Ser)

Gene: ANK3 (ankyrin 3; minus strand). Cytogenetic location: 10q21.2.
Variant type: single nucleotide variant.
Coding change: c.12569A>G on transcript NM_020987.5 (MANE Select); coding-DNA position 12569, A replaced by G.
Protein change: p.Asn4190Ser; replaces asparagine 4190 with serine.
Molecular consequence: missense variant.
Genome position (GRCh38, 1-based): chr10:60,063,137, T>C on the plus strand (A>G on the coding strand, the complement: ANK3 is on the minus strand). VCF-style: chr10-60063137-T-C. GRCh37 (hg19) VCF-style: chr10-61822895-T-C.
Other names: c.2132A>G, p.Asn711Ser (NM_001149.4); c.4712A>G, p.Asn1571Ser (NM_001204403.2); c.4733A>G, p.Asn1578Ser (NM_001204404.2); c.4730A>G, p.Asn1577Ser (NM_001320874.2); short protein forms N1571S, N4190S, N711S, N1577S, N1578S.
Identifiers: ClinVar variation 1445860 (VCV001445860.9), dbSNP rs140440227, ClinGen allele CA5510864.

ClinVar aggregate classification (germline): Uncertain significance (1 of 4 stars; one submission).

Allele frequency attached by ClinVar (database versions not stated): gnomAD exomes 0.00001 and 0.00005; ExAC 0.00002; gnomAD 0.00002; ESP Exome Variant Server 0.00008.
gnomAD v4.1: 79 of 1,613,134 alleles (0.0049%); highest among the groups gnomAD compares: Non-Finnish European, 0.0058%; no homozygotes.

Submission:

Labcorp Genetics (formerly Invitae), Labcorp
Classification: Uncertain significance. Last evaluated: 2021-12-03. Review status: criteria provided, single submitter. Criteria: Invitae Variant Classification Sherloc (09022015). Collection method: clinical testing. Allele origin: germline.
Comment: This sequence change replaces asparagine with serine at codon 4190 of the ANK3 protein (p.Asn4190Ser). The asparagine residue is moderately conserved and there is a small physicochemical difference between asparagine and serine. This variant is present in population databases (rs140440227, gnomAD 0.003%). This variant has not been reported in the literature in individuals affected with ANK3-related conditions. Algorithms developed to predict the effect of missense changes on protein structure and function are either unavailable or do not agree on the potential impact of this missense change (SIFT: "Not Available"; PolyPhen-2: "Probably Damaging"; Align-GVGD: "Not Available"). In summary, the available evidence is currently insufficient to determine the role of this variant in disease. Therefore, it has been classified as a Variant of Uncertain Significance.